The following is an entry in ClinVar:

NM_000760.4(CSF3R):c.1531A>G (p.Thr511Ala)

Gene: CSF3R (colony stimulating factor 3 receptor; minus strand). Cytogenetic location: 1p34.3.
Variant type: single nucleotide variant.
Coding change: c.1531A>G on transcript NM_000760.4 (MANE Select); coding-DNA position 1531, A replaced by G.
Protein change: p.Thr511Ala; replaces threonine 511 with alanine.
Molecular consequence: missense variant.
Genome position (GRCh38, 1-based): chr1:36,469,201, T>C on the plus strand (A>G on the coding strand, the complement: CSF3R is on the minus strand). VCF-style: chr1-36469201-T-C. GRCh37 (hg19) VCF-style: chr1-36934802-T-C.
Other names: c.1531A>G, p.Thr511Ala (NM_156039.3, NM_172313.3); short protein forms T511A.
Identifiers: ClinVar variation 1491609 (VCV001491609.6), dbSNP rs2124107417, ClinGen allele CA339419091.

ClinVar aggregate classification (germline): Uncertain significance (1 of 4 stars; one submission).

Conditions:
Autosomal recessive severe congenital neutropenia due to CSF3R deficiency. Also called: Neutropenia, severe congenital, 7, autosomal recessive. Identifiers: Orphanet 420702, MedGen C4310764, MONDO:0014865, OMIM 617014.

Submission:

Labcorp Genetics (formerly Invitae), Labcorp
Classification: Uncertain significance for Autosomal recessive severe congenital neutropenia due to CSF3R deficiency. Last evaluated: 2024-02-17. Review status: criteria provided, single submitter. Criteria: Invitae Variant Classification Sherloc (09022015). Collection method: clinical testing. Allele origin: germline.
Comment: This sequence change replaces threonine, which is neutral and polar, with alanine, which is neutral and non-polar, at codon 511 of the CSF3R protein (p.Thr511Ala). This variant is not present in population databases (gnomAD no frequency). This variant has not been reported in the literature in individuals affected with CSF3R-related conditions. ClinVar contains an entry for this variant (Variation ID: 1491609). Advanced modeling of protein sequence and biophysical properties (such as structural, functional, and spatial information, amino acid conservation, physicochemical variation, residue mobility, and thermodynamic stability) performed at Invitae indicates that this missense variant is not expected to disrupt CSF3R protein function with a negative predictive value of 80%. In summary, the available evidence is currently insufficient to determine the role of this variant in disease. Therefore, it has been classified as a Variant of Uncertain Significance.